The following is an entry in ClinVar:

ClinVar aggregate classification (germline): Pathogenic (1 of 4 stars; one submission).

Conditions:
Cranioectodermal dysplasia 1 (CED1). Also called: LEVIN SYNDROME I. Identifiers: Orphanet 1515, MedGen C0432235, MONDO:0021093, OMIM 218330.

Allele frequency attached by ClinVar (database versions not stated): gnomAD exomes below 0.00001.
gnomAD v4.1: 1 of 1,614,090 alleles (0.000062%); highest among the groups gnomAD compares: Admixed American, 0.0017%; no homozygotes.

Submission:

Labcorp Genetics (formerly Invitae), Labcorp
Classification: Pathogenic for Cranioectodermal dysplasia 1. Last evaluated: 2023-07-29. Review status: criteria provided, single submitter. Criteria: Invitae Variant Classification Sherloc (09022015). Collection method: clinical testing. Allele origin: germline.
Comment: For these reasons, this variant has been classified as Pathogenic. This variant has not been reported in the literature in individuals affected with IFT122-related conditions. This variant is present in population databases (no rsID available, gnomAD 0.003%). This sequence change creates a premature translational stop signal (p.Gln379*) in the IFT122 gene. It is expected to result in an absent or disrupted protein product. Loss-of-function variants in IFT122 are known to be pathogenic (PMID: 20493458, 23826986, 26792575).

Literature cited by the submitters: PubMed 20493458; PubMed 23826986; PubMed 26792575.

NM_052989.3(IFT122):c.982C>T (p.Gln328Ter)

Gene: IFT122 (intraflagellar transport 122; plus strand). Cytogenetic location: 3q21.3.
Variant type: single nucleotide variant.
Coding change: c.982C>T on transcript NM_052989.3 (MANE Select); coding-DNA position 982, C replaced by T.
Protein change: p.Gln328Ter; replaces glutamine 328 with a stop codon.
Molecular consequence: nonsense.
Genome position (GRCh38, 1-based): chr3:129,476,480, C>T. VCF-style: chr3-129476480-C-T. GRCh37 (hg19) VCF-style: chr3-129195323-C-T.
Other names: c.958C>T, p.Gln320Ter (NM_001280541.2); c.532C>T, p.Gln178Ter (NM_001280545.2); c.355C>T, p.Gln119Ter (NM_001280546.2); c.982C>T, p.Gln328Ter (NM_001410808.1, NM_001410809.1); c.805C>T, p.Gln269Ter (NM_001410810.1, NM_001410811.1, NM_001410813.1 and 1 more transcripts); c.649C>T, p.Gln217Ter (NM_001410815.1, NM_001410817.1, NM_052990.3); c.1135C>T, p.Gln379Ter (NM_052985.4); short protein forms Q178*, Q320*, Q328*, Q379*, Q119*, Q217*, Q269*.
Identifiers: ClinVar variation 2818768 (VCV002818768.3), dbSNP rs1377926916, ClinGen allele CA354472901.